The following is an entry in ClinVar:

NM_000124.4(ERCC6):c.2137A>G (p.Met713Val)

Gene: ERCC6 (ERCC excision repair 6, chromatin remodeling factor; minus strand). Cytogenetic location: 10q11.23.
Variant type: single nucleotide variant.
Coding change: c.2137A>G on transcript NM_000124.4 (MANE Select); coding-DNA position 2137, A replaced by G.
Protein change: p.Met713Val; replaces methionine 713 with valine.
Molecular consequence: missense variant.
Genome position (GRCh38, 1-based): chr10:49,482,719, T>C on the plus strand (A>G on the coding strand, the complement: ERCC6 is on the minus strand). VCF-style: chr10-49482719-T-C. GRCh37 (hg19) VCF-style: chr10-50690765-T-C.
Other names: c.2137A>G, p.Met713Val (NM_001346440.2); c.2137A>G (NM_000124.3); short protein forms M713V.
Identifiers: ClinVar variation 2201254 (VCV002201254.5), dbSNP rs201486862, ClinGen allele CA5495763.

ClinVar aggregate classification (germline): Likely benign. Review status: criteria provided, multiple submitters, no conflicts (2 of 4 stars). 2 submissions from 2 submitters: Likely benign (2). Last evaluated 2026-05-15.

Conditions:
ERCC6-related disorder. Also called: ERCC6-related condition; ERCC6-related disorders. Identifiers: MedGen CN239385.

Allele frequency attached by ClinVar (database versions not stated): ExAC 0.00004; gnomAD 0.00007; TOPMed 0.00008; 1000 Genomes Project 0.00020; 1000 Genomes Project 30x 0.00031.
gnomAD v4.1: 73 of 1,613,952 alleles (0.0045%); highest among the groups gnomAD compares: African/African-American, 0.0053%; no homozygotes.

Submissions (2):

PreventionGenetics, part of Exact Sciences
Classification: Likely benign for ERCC6-related condition. Last evaluated: 2026-05-15. Review status: criteria provided, single submitter. Criteria: ACMG Guidelines, 2015. Collection method: clinical testing. Allele origin: germline.
Comment: This variant is classified as likely benign based on ACMG/AMP sequence variant interpretation guidelines (Richards et al. 2015 PMID: 25741868, with internal and published modifications).

Labcorp Genetics (formerly Invitae), Labcorp
Classification: Likely benign. Last evaluated: 2025-12-22. Review status: criteria provided, single submitter. Criteria: Invitae Variant Classification Sherloc (09022015). Collection method: clinical testing. Allele origin: germline.